The following is an entry in ClinVar:

NM_005359.6(SMAD4):c.529C>T (p.His177Tyr)

Gene: SMAD4 (SMAD family member 4; plus strand). Cytogenetic location: 18q21.2.
Variant type: single nucleotide variant.
Coding change: c.529C>T on transcript NM_005359.6 (MANE Select); coding-DNA position 529, C replaced by T.
Protein change: p.His177Tyr; replaces histidine 177 with tyrosine.
Molecular consequence: missense variant.
Genome position (GRCh38, 1-based): chr18:51,054,855, C>T. VCF-style: chr18-51054855-C-T. GRCh37 (hg19) VCF-style: chr18-48581225-C-T.
Other names: short protein forms H177Y.
Identifiers: ClinVar variation 854345 (VCV000854345.10), dbSNP rs1909797279, ClinGen allele CA402460839.

ClinVar aggregate classification (germline): Uncertain significance. Review status: criteria provided, multiple submitters, no conflicts (2 of 4 stars). 2 submissions from 2 submitters: Uncertain significance (2). Last evaluated 2023-03-31.

Conditions:
Juvenile polyposis syndrome (JPS). Identifiers: Orphanet 2929, MedGen C0345893, MONDO:0017380, OMIM 174900.

Submissions (2):

Blueprint Genetics
Classification: Uncertain significance. Last evaluated: 2023-03-31. Review status: criteria provided, single submitter. Criteria: ACMG Guidelines, 2015. Collection method: clinical testing. Allele origin: germline.

Labcorp Genetics (formerly Invitae), Labcorp
Classification: Uncertain significance for Juvenile polyposis syndrome. Last evaluated: 2019-12-05. Review status: criteria provided, single submitter. Criteria: Invitae Variant Classification Sherloc (09022015). Collection method: clinical testing. Allele origin: germline.
Comment: This variant has not been reported in the literature in individuals with SMAD4-related conditions. Algorithms developed to predict the effect of missense changes on protein structure and function (SIFT, PolyPhen-2, Align-GVGD) all suggest that this variant is likely to be tolerated, but these predictions have not been confirmed by published functional studies and their clinical significance is uncertain. In summary, the available evidence is currently insufficient to determine the role of this variant in disease. Therefore, it has been classified as a Variant of Uncertain Significance. This variant is not present in population databases (ExAC no frequency). This sequence change replaces histidine with tyrosine at codon 177 of the SMAD4 protein (p.His177Tyr). The histidine residue is moderately conserved and there is a moderate physicochemical difference between histidine and tyrosine.